The following is an entry in ClinVar:

ClinVar aggregate classification (germline): Uncertain significance (1 of 4 stars; one submission).

Conditions:
TUBB4A-related disorder. Also called: TUBB4A-related condition.

Submission:

PreventionGenetics, part of Exact Sciences
Classification: Uncertain significance for TUBB4A-related condition. Last evaluated: 2025-04-11. Review status: criteria provided, single submitter. Criteria: ACMG Guidelines, 2015. Collection method: clinical testing. Allele origin: germline.
Comment: The TUBB4A c.877A>C variant is predicted to result in the amino acid substitution p.Met293Leu. To our knowledge, this variant has not been reported in the literature or in a large population database (gnomAD), indicating this variant is rare. At this time, the clinical significance of this variant is uncertain due to the absence of conclusive functional and genetic evidence.

NM_006087.4(TUBB4A):c.877A>C (p.Met293Leu)

Gene: TUBB4A (tubulin beta 4A class IVa; minus strand). Cytogenetic location: 19p13.3.
Variant type: single nucleotide variant.
Coding change: c.877A>C on transcript NM_006087.4 (MANE Select); coding-DNA position 877, A replaced by C.
Protein change: p.Met293Leu; replaces methionine 293 with leucine.
Molecular consequence: missense variant.
Genome position (GRCh38, 1-based): chr19:6,495,622, T>G on the plus strand (A>C on the coding strand, the complement: TUBB4A is on the minus strand). VCF-style: chr19-6495622-T-G. GRCh37 (hg19) VCF-style: chr19-6495633-T-G.
Other names: c.1030A>C, p.Met344Leu (NM_001289123.2); c.1012A>C, p.Met338Leu (NM_001289127.2); c.877A>C, p.Met293Leu (NM_001289129.2); c.661A>C, p.Met221Leu (NM_001289130.2, NM_001289131.2); short protein forms M293L, M344L, M221L, M338L.
Identifiers: ClinVar variation 4998310 (VCV004998310.1).